The following is an entry in ClinVar:

ClinVar aggregate classification (germline): Uncertain significance. Review status: criteria provided, multiple submitters, no conflicts (2 of 4 stars). 3 submissions from 3 submitters: Uncertain significance (3). Last evaluated 2025-01-05.

Conditions:
Inborn genetic diseases. Identifiers: MedGen C0950123, MeSH D030342.

Allele frequency attached by ClinVar (database versions not stated): gnomAD exomes below 0.00001; gnomAD 0.00001.

Submissions (3):

Ambry Genetics
Classification: Uncertain significance for Inborn genetic diseases. Last evaluated: 2025-01-05. Review status: criteria provided, single submitter. Criteria: Ambry Variant Classification Scheme 2023. Collection method: clinical testing. Allele origin: germline.
Comment: The p.I1214V variant (also known as c.3640A>G), located in coding exon 1 of the SAMD9 gene, results from an A to G substitution at nucleotide position 3640. The isoleucine at codon 1214 is replaced by valine, an amino acid with highly similar properties. This amino acid position is conserved. In addition, this alteration is predicted to be tolerated by in silico analysis. Based on the available evidence, the clinical significance of this variant remains unclear.

GeneDx
Classification: Uncertain significance. Last evaluated: 2022-11-15. Review status: criteria provided, single submitter. Criteria: GeneDx Variant Classification Process June 2021. Collection method: clinical testing. Allele origin: germline. Affected: yes.
Comment: Not observed at significant frequency in large population cohorts (gnomAD); In silico analysis supports that this missense variant does not alter protein structure/function; Has not been previously published as pathogenic or benign to our knowledge

Labcorp Genetics (formerly Invitae), Labcorp
Classification: Uncertain significance. Last evaluated: 2022-06-22. Review status: criteria provided, single submitter. Criteria: Invitae Variant Classification Sherloc (09022015). Collection method: clinical testing. Allele origin: germline.
Comment: This sequence change replaces isoleucine, which is neutral and non-polar, with valine, which is neutral and non-polar, at codon 1214 of the SAMD9 protein (p.Ile1214Val). This variant is present in population databases (no rsID available, gnomAD 0.007%). This variant has not been reported in the literature in individuals affected with SAMD9-related conditions. Algorithms developed to predict the effect of missense changes on protein structure and function output the following: SIFT: "Tolerated"; PolyPhen-2: "Benign"; Align-GVGD: "Class C0". The valine amino acid residue is found in multiple mammalian species, which suggests that this missense change does not adversely affect protein function. In summary, the available evidence is currently insufficient to determine the role of this variant in disease. Therefore, it has been classified as a Variant of Uncertain Significance.

NM_017654.4(SAMD9):c.3640A>G (p.Ile1214Val)

Gene: SAMD9 (sterile alpha motif domain containing 9; minus strand). Cytogenetic location: 7q21.2.
Variant type: single nucleotide variant.
Coding change: c.3640A>G on transcript NM_017654.4 (MANE Select); coding-DNA position 3640, A replaced by G.
Protein change: p.Ile1214Val; replaces isoleucine 1214 with valine.
Molecular consequence: missense variant.
Genome position (GRCh38, 1-based): chr7:93,102,458, T>C on the plus strand (A>G on the coding strand, the complement: SAMD9 is on the minus strand). VCF-style: chr7-93102458-T-C. GRCh37 (hg19) VCF-style: chr7-92731771-T-C.
Other names: c.3640A>G, p.Ile1214Val (NM_001193307.2); c.3640A>G (NM_017654.3); short protein forms I1214V.
Identifiers: ClinVar variation 2084417 (VCV002084417.3), dbSNP rs1409277212, ClinGen allele CA368183940.